The following is an entry in ClinVar:

ClinVar aggregate classification (germline): Uncertain significance (1 of 4 stars; one submission).

Submission:

GeneDx
Classification: Uncertain significance. Last evaluated: 2025-05-08. Review status: criteria provided, single submitter. Criteria: GeneDx Variant Classification Process June 2021. Collection method: clinical testing. Allele origin: germline. Affected: yes.
Comment: Not observed at significant frequency in large population cohorts (gnomAD); Missense variants in this gene are a common cause of disease and they are underrepresented in the general population; In silico analysis suggests that this missense variant does not alter protein structure/function; Has not been previously published as pathogenic or benign to our knowledge; This variant is associated with the following publications: (PMID: 29493581)

NM_005633.4(SOS1):c.554T>A (p.Ile185Lys)

Gene: SOS1 (SOS Ras/Rac guanine nucleotide exchange factor 1; minus strand). Cytogenetic location: 2p22.1.
Variant type: single nucleotide variant.
Coding change: c.554T>A on transcript NM_005633.4 (MANE Select); coding-DNA position 554, T replaced by A.
Protein change: p.Ile185Lys; replaces isoleucine 185 with lysine.
Molecular consequence: missense variant.
Genome position (GRCh38, 1-based): chr2:39,054,780, A>T on the plus strand (T>A on the coding strand, the complement: SOS1 is on the minus strand). VCF-style: chr2-39054780-A-T. GRCh37 (hg19) VCF-style: chr2-39281921-A-T.
Other names: c.533T>A, p.Ile178Lys (NM_001382394.1); c.554T>A, p.Ile185Lys (NM_001382395.1); short protein forms I178K, I185K.
Identifiers: ClinVar variation 4526941 (VCV004526941.1).